The following is an entry in ClinVar:

ClinVar aggregate classification (germline): Uncertain significance. Review status: criteria provided, multiple submitters, no conflicts (2 of 4 stars). 2 submissions from 2 submitters: Uncertain significance (2). Last evaluated 2025-12-27.

Conditions:
Inborn genetic diseases. Identifiers: MedGen C0950123, MeSH D030342.
Familial cold autoinflammatory syndrome 2 (FCAS2). Identifiers: Orphanet 247868, MedGen C2673198, MONDO:0012724, OMIM 611762.

Allele frequency attached by ClinVar (database versions not stated): gnomAD 0.00001; TOPMed 0.00001; gnomAD exomes 0.00005; ExAC 0.00006.
gnomAD v4.1: 22 of 1,612,546 alleles (0.0014%); highest among the groups gnomAD compares: Admixed American, 0.022%; no homozygotes.

Submissions (2):

Labcorp Genetics (formerly Invitae), Labcorp
Classification: Uncertain significance for Familial cold autoinflammatory syndrome 2. Last evaluated: 2025-12-27. Review status: criteria provided, single submitter. Criteria: Invitae Variant Classification Sherloc (09022015). Collection method: clinical testing. Allele origin: germline.
Comment: This sequence change replaces glutamic acid, which is acidic and polar, with lysine, which is basic and polar, at codon 204 of the NLRP12 protein (p.Glu204Lys). This variant is present in population databases (rs748313621, gnomAD 0.04%), and has an allele count higher than expected for a pathogenic variant. This variant has not been reported in the literature in individuals affected with NLRP12-related conditions. ClinVar contains an entry for this variant (Variation ID: 1483388). Invitae Evidence Modeling of protein sequence and biophysical properties (such as structural, functional, and spatial information, amino acid conservation, physicochemical variation, residue mobility, and thermodynamic stability) indicates that this missense variant is not expected to disrupt NLRP12 protein function with a negative predictive value of 80%. In summary, the available evidence is currently insufficient to determine the role of this variant in disease. Therefore, it has been classified as a Variant of Uncertain Significance.

Ambry Genetics
Classification: Uncertain significance for Inborn genetic diseases. Last evaluated: 2025-12-08. Review status: criteria provided, single submitter. Criteria: Ambry Variant Classification Scheme 2023. Collection method: clinical testing. Allele origin: germline.

NM_144687.4(NLRP12):c.610G>A (p.Glu204Lys)

Gene: NLRP12 (NLR family pyrin domain containing 12; minus strand). Cytogenetic location: 19q13.42.
Variant type: single nucleotide variant.
Coding change: c.610G>A on transcript NM_144687.4 (MANE Select); coding-DNA position 610, G replaced by A.
Protein change: p.Glu204Lys; replaces glutamic acid 204 with lysine.
Molecular consequence: missense variant.
Genome position (GRCh38, 1-based): chr19:53,811,049, C>T on the plus strand (G>A on the coding strand, the complement: NLRP12 is on the minus strand). VCF-style: chr19-53811049-C-T. GRCh37 (hg19) VCF-style: chr19-54314303-C-T.
Other names: c.610G>A (NM_144687.2); c.610G>A, p.Glu204Lys (NM_001277126.2, NM_001277129.1); short protein forms E204K.
Identifiers: ClinVar variation 1483388 (VCV001483388.9), dbSNP rs748313621, ClinGen allele CA9639663.